The following is an entry in ClinVar:

ClinVar aggregate classification (germline): Likely benign (1 of 4 stars; one submission).

Conditions:
SH2B1-related disorder. Also called: SH2B1-related condition.

gnomAD v4.1: 15 of 1,600,882 alleles (0.00094%); highest among the groups gnomAD compares: Admixed American, 0.005%; no homozygotes.

Submission:

PreventionGenetics, part of Exact Sciences
Classification: Likely benign for SH2B1-related condition. Last evaluated: 2025-05-19. Review status: criteria provided, single submitter. Criteria: ACMG Guidelines, 2015. Collection method: clinical testing. Allele origin: germline.
Comment: This variant is classified as likely benign based on ACMG/AMP sequence variant interpretation guidelines (Richards et al. 2015 PMID: 25741868, with internal and published modifications).

NM_001387430.1(SH2B1):c.1500G>A (p.Pro500=)

Gene: SH2B1 (SH2B adaptor protein 1; plus strand). Cytogenetic location: 16p11.2.
Variant type: single nucleotide variant.
Coding change: c.1500G>A on transcript NM_001387430.1 (MANE Select); coding-DNA position 1500, G replaced by A.
Protein change: p.Pro500=; no amino-acid change (proline 500 retained).
Molecular consequence: synonymous variant.
Genome position (GRCh38, 1-based): chr16:28,871,970, G>A. VCF-style: chr16-28871970-G-A. GRCh37 (hg19) VCF-style: chr16-28883291-G-A.
Other names: c.1500G>A, p.Pro500= (NM_001145795.2, NM_001145796.2, NM_001145797.2 and 4 more transcripts); c.492G>A, p.Pro164= (NM_001308294.2).
Identifiers: ClinVar variation 4978872 (VCV004978872.1).